The following is an entry in ClinVar:

ClinVar aggregate classification (germline): Likely pathogenic (1 of 4 stars; one submission).

Conditions:
Renal carnitine transport defect (CDSP). Also called: Carnitine transporter deficiency; Carnitine Deficiency, Systemic; Systemic primary carnitine deficiency disease; CARNITINE DEFICIENCY, SYSTEMIC, DUE TO DEFECT IN RENAL REABSORPTION OF CARNITINE; CARNITINE TRANSPORTER, PLASMA-MEMBRANE, DEFICIENCY OF; CARNITINE UPTAKE DEFECT. Identifiers: Orphanet 158, MedGen C0342788, MONDO:0008919, OMIM 212140.

Submission:

Labcorp Genetics (formerly Invitae), Labcorp
Classification: Likely pathogenic for Renal carnitine transport defect. Last evaluated: 2019-10-14. Review status: criteria provided, single submitter. Criteria: Invitae Variant Classification Sherloc (09022015). Collection method: clinical testing. Allele origin: germline.
Comment: In summary, the currently available evidence indicates that the variant is pathogenic, but additional data are needed to prove that conclusively. Therefore, this variant has been classified as Likely Pathogenic. Algorithms developed to predict the effect of missense changes on protein structure and function (SIFT, PolyPhen-2, Align-GVGD) all suggest that this variant is likely to be disruptive, but these predictions have not been confirmed by published functional studies and their clinical significance is uncertain. This variant has been observed in individual(s) with features of primary carnitine deficiency (Invitae). In at least one individual the data is consistent with the variant being in trans (on the opposite chromosome) from a pathogenic variant. This variant is not present in population databases (ExAC no frequency). This sequence change replaces glycine with aspartic acid at codon 168 of the SLC22A5 protein (p.Gly168Asp). The glycine residue is highly conserved and there is a moderate physicochemical difference between glycine and aspartic acid.

NM_003060.4(SLC22A5):c.503G>A (p.Gly168Asp)

Gene: SLC22A5 (solute carrier family 22 member 5; plus strand). Cytogenetic location: 5q31.1.
Variant type: single nucleotide variant.
Coding change: c.503G>A on transcript NM_003060.4 (MANE Select); coding-DNA position 503, G replaced by A.
Protein change: p.Gly168Asp; replaces glycine 168 with aspartic acid.
Molecular consequence: missense variant.
Genome position (GRCh38, 1-based): chr5:132,384,152, G>A. VCF-style: chr5-132384152-G-A. GRCh37 (hg19) VCF-style: chr5-131719844-G-A.
Other names: c.575G>A, p.Gly192Asp (NM_001308122.2); short protein forms G168D, G192D.
Identifiers: ClinVar variation 939400 (VCV000939400.9), dbSNP rs1752440697, ClinGen allele CA360804505.
Genomic context (GRCh38, chr5:132,384,152, plus strand): 5'-CCATTCCTGCTGCCCTTTTCCAGCTGGTTATCTGTCACTCTCCTTTTCTTCCCAGGTTTG[G>A]CCGGAAGAATGTGCTGTTCGTGACCATGGGCATGCAGACAGGCTTCAGCTTCCTGCAGAT-3'
Protein context (NP_003051.1, residues 158-178): FISGQLSDRF[Gly168Asp]RKNVLFVTMG